The following is an entry in ClinVar:

NM_002386.3(MC1R):c.-536C>T

Gene: MC1R (melanocortin 1 receptor; plus strand). Cytogenetic location: 16q24.3.
Variant type: single nucleotide variant.
Coding change: c.-536C>T on transcript NM_002386.3; 536 bases upstream of the start codon, C replaced by T.
Genome position (GRCh38, 1-based): chr16:89,918,723, C>T. VCF-style: chr16-89918723-C-T. GRCh37 (hg19) VCF-style: chr16-89985131-C-T.
Identifiers: ClinVar variation 321399 (VCV000321399.8), dbSNP rs3212379, ClinGen allele CA10638702.
Genomic context (GRCh38, chr16:89,918,723, plus strand): 5'-CAGGTGGGGGCCCTGGTGACCAGGACAGACTGTGGTGTTTTTTAACGTAAAGGAGATCCG[C>T]GGTGTGAGGGACCCCCTGGGTCCTGCACGCCGCCTGGTGGCAGGCCGGGCCATGGTGGGT-3'

ClinVar aggregate classification (germline): Benign. Review status: criteria provided, multiple submitters, no conflicts (2 of 4 stars). 2 submissions from 2 submitters: Benign (2). Last evaluated 2018-01-12.

Conditions:
Melanoma, cutaneous malignant, susceptibility to, 5. Also called: Cutaneous malignant melanoma 5. Identifiers: Orphanet 618, MedGen C2751295, MONDO:0013133, OMIM 613099.

Allele frequency attached by ClinVar (database versions not stated): gnomAD 0.00347 and 0.00361; TOPMed 0.00374; gnomAD exomes 0.00406; 1000 Genomes Project 0.00140; 1000 Genomes Project 30x 0.00141.

Submissions (2):

Illumina Laboratory Services, Illumina
Classification: Benign for Melanoma, cutaneous malignant, susceptibility to, 5. Last evaluated: 2018-01-12. Review status: criteria provided, single submitter. Criteria: ICSL Variant Classification Criteria 13 December 2019. Collection method: clinical testing. Allele origin: germline.
Comment: This variant was observed in the ICSL laboratory as part of a predisposition screen in an ostensibly healthy population. It had not been previously curated by ICSL or reported in the Human Gene Mutation Database (HGMD: prior to June 1st, 2018), and was therefore a candidate for classification through an automated scoring system. Utilizing variant allele frequency, disease prevalence and penetrance estimates, and inheritance mode, an automated score was calculated to assess if this variant is too frequent to cause the disease. Based on the score and internal cut-off values, a variant classified as benign is not then subjected to further curation. The score for this variant resulted in a classification of benign for this disease.

Breakthrough Genomics
Classification: Benign. Review status: criteria provided, single submitter. Criteria: ACMG Guidelines, 2015. Collection method: not provided. Allele origin: germline. Inheritance: Autosomal recessive inheritance. Affected: yes.